The following is an entry in ClinVar:

ClinVar aggregate classification (germline): Uncertain significance (1 of 4 stars; one submission).

Submission:

GeneDx
Classification: Uncertain significance. Last evaluated: 2023-05-12. Review status: criteria provided, single submitter. Criteria: GeneDx Variant Classification Process June 2021. Collection method: clinical testing. Allele origin: germline. Affected: yes.
Comment: Not observed at significant frequency in large population cohorts (gnomAD); In-frame deletion of 4 amino acids and insertion of 1 amino acid in a non-repeat region; In silico analysis supports that this variant does not alter protein structure/function; Has not been previously published as pathogenic or benign to our knowledge

NM_057175.5(NAA15):c.351_359del (p.Leu117_Leu120delinsPhe)

Gene: NAA15 (N-alpha-acetyltransferase 15, NatA auxiliary subunit; plus strand). Cytogenetic location: 4q31.1.
Variant type: Deletion.
Coding change: c.351_359del on transcript NM_057175.5 (MANE Select); coding-DNA positions 351 to 359, 9 bases deleted (AAGGGACCT; older notation c.351_359delAAGGGACCT).
Protein change: p.Leu117_Leu120delinsPhe.
Molecular consequence: inframe indel.
Genome position (GRCh38, 1-based): chr4:139,341,018-139,341,026, AAGGGACCT deleted; deleting any 9 consecutive bases within chr4:139,341,017-139,341,026 gives the same sequence; the c. name uses the placement nearest the transcript's 3' end. VCF-style (leftmost placement, unchanged base first): chr4-139341016-TTAAGGGACC-T. GRCh37 (hg19) VCF-style: chr4-140262170-TTAAGGGACC-T.
Other names: c.351_359del, p.Leu117_Leu120delinsPhe (NM_001410842.1); c.351_359delAAGGGACCT, p.Leu117_Leu120delinsPhe (NM_025085.2).
Identifiers: ClinVar variation 2662232 (VCV002662232.1), dbSNP rs2530368744, ClinGen allele CA2695198530.